The following is an entry in ClinVar:

ClinVar aggregate classification (germline): Uncertain significance (1 of 4 stars; one submission).

Conditions:
Cardiomyopathy (CMYO). Also called: Cardiomyopathies. Identifiers: Orphanet 167848, MedGen C0878544, MONDO:0004994, HP:0001638. Inheritance: Various modes of inheritance.

Allele frequency attached by ClinVar (database versions not stated): gnomAD exomes below 0.00001.
gnomAD v4.1: 1 of 1,614,220 alleles (0.000062%); highest among the groups gnomAD compares: East Asian, 0.0022%; no homozygotes.

Submission:

Color Diagnostics, LLC DBA Color Health
Classification: Uncertain significance for Cardiomyopathy. Last evaluated: 2024-03-06. Review status: criteria provided, single submitter. Criteria: ACMG Guidelines, 2015. Collection method: clinical testing. Allele origin: germline.
Comment: This missense variant replaces valine with leucine at codon 1044 of the MYH7 protein. Computational prediction suggests that this variant may not impact protein structure and function (internally defined REVEL score threshold <= 0.5, PMID: 27666373). To our knowledge, functional studies have not been reported for this variant. This variant has not been reported in individuals affected with cardiovascular disorders in the literature. This variant has not been identified in the general population by the Genome Aggregation Database (gnomAD). The available evidence is insufficient to determine the role of this variant in disease conclusively. Therefore, this variant is classified as a Variant of Uncertain Significance.

NM_000257.4(MYH7):c.3130G>T (p.Val1044Leu)

Gene: MYH7 (myosin heavy chain 7; minus strand). Cytogenetic location: 14q11.2.
Variant type: single nucleotide variant.
Coding change: c.3130G>T on transcript NM_000257.4 (MANE Select); coding-DNA position 3130, G replaced by T.
Protein change: p.Val1044Leu; replaces valine 1044 with leucine.
Molecular consequence: missense variant.
Genome position (GRCh38, 1-based): chr14:23,422,295, C>A on the plus strand (G>T on the coding strand, the complement: MYH7 is on the minus strand). VCF-style: chr14-23422295-C-A. GRCh37 (hg19) VCF-style: chr14-23891504-C-A.
Other names: short protein forms V1044L.
Identifiers: ClinVar variation 1172002 (VCV001172002.3), dbSNP rs2138659105, ClinGen allele CA389045435.